The following is an entry in ClinVar:

NM_198525.3(KIF7):c.3466CAG[1] (p.Gln1157del)

Genes: KIF7 (kinesin family member 7; minus strand), LOC126862216 (BRD4-independent group 4 enhancer GRCh37_chr15:90171995-90173194; plus strand). Cytogenetic location: 15q26.1.
Variant type: Microsatellite.
Coding change: c.3466CAG[1] on transcript NM_198525.3 (MANE Select); one copy of the 3-base unit CAG starting at c.3466; the reference has two copies in a row; one copy, 3 bases deleted.
Protein change: p.Gln1157del; deletes glutamine 1157.
Molecular consequence: inframe deletion.
Genome position (GRCh38, 1-based): chr15:89,629,421-89,629,423, CTG deleted on the plus strand (CAG on the coding strand, the reverse complement: KIF7 is on the minus strand); deleting any 3 consecutive bases within chr15:89,629,421-89,629,427 gives the same sequence; the position shown is the placement nearest the transcript's 3' end. VCF-style (leftmost placement, unchanged base first): chr15-89629420-TCTG-T. GRCh37 (hg19) VCF-style: chr15-90172651-TCTG-T.
Other names: short protein forms Q1157del.
Identifiers: ClinVar variation 1468258 (VCV001468258.8), dbSNP rs2141994017, ClinGen allele CA2580613314.
Genomic context (GRCh38, chr15:89,629,420, plus strand): 5'-GGCCGGGCTGCTCACCTCGACTCTGCTGCAGGAGCAGCTGCATGTTCTGCTCGTGCTCCT[TCTG>T]CTGCAGGGTCAGCTGGCGGTCCATCTCCAGGCGCTGCCGCTCCAGGGCCACCTCCAGCCA-3'

ClinVar aggregate classification (germline): Uncertain significance (1 of 4 stars; one submission).

Conditions:
Acrocallosal syndrome (ACLS). Also called: Schinzel syndrome 1; Absence of corpus callosum with unusual facial appearance, mental deficiency, duplication of the halluces and polydactyly; HALLUX DUPLICATION, POSTAXIAL POLYDACTYLY, AND ABSENCE OF CORPUS CALLOSUM. Identifiers: Orphanet 36, MedGen C0796147, MONDO:0008708, OMIM 200990.

Submission:

Labcorp Genetics (formerly Invitae), Labcorp
Classification: Uncertain significance for Acrocallosal syndrome. Last evaluated: 2023-10-03. Review status: criteria provided, single submitter. Criteria: Invitae Variant Classification Sherloc (09022015). Collection method: clinical testing. Allele origin: germline.
Comment: This variant, c.3469_3471del, results in the deletion of 1 amino acid(s) of the KIF7 protein (p.Gln1157del), but otherwise preserves the integrity of the reading frame. This variant is not present in population databases (gnomAD no frequency). This variant has not been reported in the literature in individuals affected with KIF7-related conditions. Experimental studies and prediction algorithms are not available or were not evaluated, and the functional significance of this variant is currently unknown. In summary, the available evidence is currently insufficient to determine the role of this variant in disease. Therefore, it has been classified as a Variant of Uncertain Significance.